The following is an entry in ClinVar:

ClinVar aggregate classification (germline): Pathogenic. Review status: criteria provided, multiple submitters, no conflicts (2 of 4 stars). 3 submissions from 3 submitters: Pathogenic (3). Last evaluated 2020-11-03.

Conditions:
Birt-Hogg-Dube syndrome. Also called: Birt Hogg Dubé syndrome. Identifiers: Orphanet 122, MedGen C0346010, MONDO:0800444.

Submissions (3):

Labcorp Genetics (formerly Invitae), Labcorp
Classification: Pathogenic for Birt-Hogg-Dube syndrome. Last evaluated: 2020-11-03. Review status: criteria provided, single submitter. Criteria: Invitae Variant Classification Sherloc (09022015). Collection method: clinical testing. Allele origin: germline.
Comment: For these reasons, this variant has been classified as Pathogenic. This sequence change creates a premature translational stop signal (p.Trp511*) in the FLCN gene. While this is not anticipated to result in nonsense mediated decay, it is expected to disrupt the last 69 amino acid(s) of the FLCN protein. This variant is not present in population databases (ExAC no frequency). This nonsense change has been observed in individuals with clinical features of Birt-Hogg-Dubé syndrome (BHDS) (PMID: 20413710, 28558743, 30923304, 17496196). ClinVar contains an entry for this variant (Variation ID: 253257). This variant disrupts the C-terminus of the FLCN protein. Other variant(s) that disrupt this region (p.Trp553*) have been determined to be pathogenic (PMID: 28558743). This suggests that variants that disrupt this region of the protein are likely to be causative of disease.

ARUP Laboratories, Molecular Genetics and Genomics, ARUP Laboratories
Classification: Pathogenic. Last evaluated: 2018-02-11. Review status: criteria provided, single submitter. Criteria: ARUP Molecular Germline Variant Investigation Process. Collection method: clinical testing. Allele origin: germline.
Comment: The FLCN c.1532G>A; p.Trp511Ter variant (rs879255682), is not reported in the medical literature but is reported as pathogenic in ClinVar (Variation ID: 253257). A different nucleotide change causing the same protein effect (c.1533G>A; p.Trp511Ter) is reported in an individual with Birt-Hogg-Dube syndrome (Kunogi 2010). The c.1532G>A; p.Trp511Ter variant is absent from the general population databases (1000 Genomes Project, Exome Variant Server, Genome Aggregation Database), indicating it is not a common polymorphism. This variant induces an early termination codon and is predicted to result in a truncated protein. Based on available information, this variant is considered pathogenic. REFERENCES Kunogi M et al. Clinical and genetic spectrum of Birt-Hogg-Dube syndrome patients in whom pneumothorax and/or multiple lung cysts are the presenting feature. J Med Genet. 2010 Apr;47(4):281-7.

Genomic Diagnostic Laboratory, Division of Genomic Diagnostics, Children's Hospital of Philadelphia
Classification: Pathogenic for Birt-Hogg-Dube Syndrome. Last evaluated: 2016-07-18. Review status: criteria provided, single submitter. Criteria: DGD Variant Analysis Guidelines. Collection method: clinical testing. Allele origin: germline. Affected: yes. Observed: 1 variant allele.
Comment: Clinical Testing

Literature cited by the submitters: PubMed 20413710 (cited by Labcorp Genetics (formerly Invitae), Labcorp); PubMed 28558743 (cited by Labcorp Genetics (formerly Invitae), Labcorp); PubMed 30923304 (cited by Labcorp Genetics (formerly Invitae), Labcorp); PubMed 17496196 (cited by Labcorp Genetics (formerly Invitae), Labcorp).

NM_144997.7(FLCN):c.1532G>A (p.Trp511Ter)

Gene: FLCN (folliculin; minus strand). Cytogenetic location: 17p11.2.
Variant type: single nucleotide variant.
Coding change: c.1532G>A on transcript NM_144997.7 (MANE Select); coding-DNA position 1532, G replaced by A.
Protein change: p.Trp511Ter; replaces tryptophan 511 with a stop codon.
Molecular consequence: nonsense.
Genome position (GRCh38, 1-based): chr17:17,214,991, C>T on the plus strand (G>A on the coding strand, the complement: FLCN is on the minus strand). VCF-style: chr17-17214991-C-T. GRCh37 (hg19) VCF-style: chr17-17118305-C-T.
Other names: c.1532G>A (LRG_325t1); c.1586G>A, p.Trp529Ter (NM_001353229.2); c.1532G>A, p.Trp511Ter (NM_001353230.2, NM_001353231.2); short protein forms W511*, W529*.
Identifiers: ClinVar variation 253257 (VCV000253257.16), dbSNP rs879255682, ClinGen allele CA10586247.